The following is an entry in ClinVar:

NM_001040108.2(MLH3):c.3111A>G (p.Ser1037=)

Gene: MLH3 (mutL homolog 3; minus strand). Cytogenetic location: 14q24.3.
Variant type: single nucleotide variant.
Coding change: c.3111A>G on transcript NM_001040108.2 (MANE Select); coding-DNA position 3111, A replaced by G.
Protein change: p.Ser1037=; no amino-acid change (serine 1037 retained).
Molecular consequence: synonymous variant.
Genome position (GRCh38, 1-based): chr14:75,046,545, T>C on the plus strand (A>G on the coding strand, the complement: MLH3 is on the minus strand). VCF-style: chr14-75046545-T-C. GRCh37 (hg19) VCF-style: chr14-75513248-T-C.
Other names: c.3111A>G, p.Ser1037= (NM_014381.3).
Identifiers: ClinVar variation 2623705 (VCV002623705.5), dbSNP rs1892237645, ClinGen allele CA487177417.
Genomic context (GRCh38, chr14:75,046,545, plus strand): 5'-ATAAACCATTCTTCCCAGGGCTACATCGAAATGCCGCTGCCAATCTGAACAACACGTGTT[T>C]GACTCTTCAGTTTCAGAACAAGCTCTTGCTTTAGATTCCTCACTCTGAAAACAAATTCCA-3'
Protein context (NP_001035197.1, residues 1027-1047): KARACSETEE[Ser1037=]NTCCSDWQRH

ClinVar aggregate classification (germline): Benign/Likely benign. Review status: criteria provided, multiple submitters, no conflicts (2 of 4 stars). 3 submissions from 3 submitters: Benign (1); Likely benign (2). Last evaluated 2026-05-05.

Conditions:
Colorectal cancer, hereditary nonpolyposis, type 7. Identifiers: Orphanet 144, MedGen C1858380, MONDO:0013725, OMIM 614385.

Allele frequency attached by ClinVar (database versions not stated): TOPMed below 0.00001.

Submissions (3):

Myriad Genetics, Inc.
Classification: Benign for Colorectal cancer, hereditary nonpolyposis, type 7. Last evaluated: 2026-05-05. Review status: criteria provided, single submitter. Criteria: Myriad Autosomal Dominant, Autosomal Recessive and X-Linked Classification Criteria (2023). Collection method: clinical testing. Allele origin: unknown.
Comment: This variant is considered benign. This variant is a silent/synonymous amino acid change and it is not expected to impact splicing.

Labcorp Genetics (formerly Invitae), Labcorp
Classification: Likely benign for Colorectal cancer, hereditary nonpolyposis, type 7. Last evaluated: 2025-01-22. Review status: criteria provided, single submitter. Criteria: Invitae Variant Classification Sherloc (09022015). Collection method: clinical testing. Allele origin: germline.

Ambry Genetics
Classification: Likely benign. Last evaluated: 2023-06-24. Review status: criteria provided, single submitter. Criteria: Ambry Variant Classification Scheme 2023. Collection method: clinical testing. Allele origin: germline.